The following is an entry in ClinVar:

NM_001291415.2(KDM6A):c.3705-9T>G

Gene: KDM6A (lysine demethylase 6A; plus strand). Cytogenetic location: Xp11.3.
Variant type: single nucleotide variant.
Coding change: c.3705-9T>G on transcript NM_001291415.2 (MANE Select); 9 bases into the intron before coding-DNA position 3705, T replaced by G.
Molecular consequence: intron variant.
Genome position (GRCh38, 1-based): chrX:45,089,734, T>G. VCF-style: chrX-45089734-T-G. GRCh37 (hg19) VCF-style: chrX-44948979-T-G.
Other names: c.3705-9T>G (NM_001419809.1); c.3603-9T>G (NM_001419810.1, NM_001419813.1); c.3549-9T>G (NM_001419812.1, NM_021140.4); c.3447-9T>G (NM_001419814.1, NM_001410742.1); c.3570-9T>G (NM_001419811.1, NM_001291416.2); c.3414-9T>G (NM_001291417.2); c.3312-9T>G (NM_001419815.1, NM_001291418.2); c.2661-9T>G (NM_001291421.2).
Identifiers: ClinVar variation 3061407 (VCV003061407.2), dbSNP rs2523327398, ClinGen allele CA2740092117.
Genomic context (GRCh38, chrX:45,089,734, plus strand): 5'-TTTCTTCCAGTCTTACTAGGAGCTTCTTAATGTAGTTGATCCATTTGCATTATTTTTTTC[T>G]TATTTCAGAAATAATTTGAATTTCCTAATGGGTTCTTGGTGGCCCAATCTTGAAGATCTT-3'

ClinVar aggregate classification (germline): Likely benign (0 of 4 stars; one submission).

Conditions:
KDM6A-related disorder. Also called: KDM6A-related condition.

Submission:

PreventionGenetics, part of Exact Sciences
Classification: Likely benign for KDM6A-related condition. Last evaluated: 2024-02-11. Review status: no assertion criteria provided. Collection method: clinical testing. Allele origin: germline.
Comment: This variant is classified as likely benign based on ACMG/AMP sequence variant interpretation guidelines (Richards et al. 2015 PMID: 25741868, with internal and published modifications).